The following is an entry in ClinVar:

NM_182760.4(SUMF1):c.627_657del (p.Ser210fs)

Gene: SUMF1 (sulfatase modifying factor 1; minus strand). Cytogenetic location: 3p26.1.
Variant type: Deletion.
Coding change: c.627_657del on transcript NM_182760.4 (MANE Select); coding-DNA positions 627 to 657, 31 bases deleted.
Protein change: p.Ser210fs; shifts the reading frame from serine 210.
Molecular consequence: frameshift variant.
Genome position (GRCh38, 1-based): chr3:4,418,078-4,418,108, 31 bases deleted; deleting any 31 consecutive bases within chr3:4,418,078-4,418,109 gives the same sequence; the c. name uses the placement nearest the transcript's 3' end. GRCh37 (hg19): chr3:4,459,763-4,459,793.
Other names: c.552_582del, p.Ser185fs (NM_001164674.2); c.627_657del, p.Ser210fs (NM_001164675.2); short protein forms S185fs, S210fs.
Identifiers: ClinVar variation 2823841 (VCV002823841.3), dbSNP rs2469858602, ClinGen allele CA2739278161.
Genomic context (GRCh38, chr3:4,418,077, plus strand): 5'-GCAGGCCTCCTCGACAGCTGTATTCCCACTCAGCTTCCGTGGGCAGCCGCTTCCCTGCCC[AAGTGCAGTAGGCAACCGCATCATTCCAGGAC>A]ACATGGAGAACTGGATGATCCGGCCTGGGGAAGAGCAAAAGTAGAATGAAAAGTGACACC-3'

ClinVar aggregate classification (germline): Pathogenic (1 of 4 stars; one submission).

Conditions:
Multiple sulfatase deficiency (MSD). Also called: Mucosulfatidosis; Multiple Sulfatase Deficiency Disease; Sulfatidosis, Juvenile, Austin Type. Identifiers: Orphanet 585, MedGen C0268263, MONDO:0010088, OMIM 272200.

Submission:

Labcorp Genetics (formerly Invitae), Labcorp
Classification: Pathogenic for Multiple sulfatase deficiency. Last evaluated: 2023-03-02. Review status: criteria provided, single submitter. Criteria: Invitae Variant Classification Sherloc (09022015). Collection method: clinical testing. Allele origin: germline.
Comment: This sequence change creates a premature translational stop signal (p.Ser210Glyfs*48) in the SUMF1 gene. It is expected to result in an absent or disrupted protein product. Loss-of-function variants in SUMF1 are known to be pathogenic (PMID: 12757705, 12757706, 25885655). This variant is not present in population databases (gnomAD no frequency). This variant has not been reported in the literature in individuals affected with SUMF1-related conditions. For these reasons, this variant has been classified as Pathogenic.

Literature cited by the submitters: PubMed 12757705; PubMed 12757706; PubMed 25885655.